The following is an entry in ClinVar:

NM_001386885.1(APOL4):c.130G>C (p.Val44Leu)

Gene: APOL4 (apolipoprotein L4; minus strand). Cytogenetic location: 22q12.3.
Variant type: single nucleotide variant.
Coding change: c.130G>C on transcript NM_001386885.1 (MANE Select); coding-DNA position 130, G replaced by C.
Protein change: p.Val44Leu; replaces valine 44 with leucine.
Molecular consequence: missense variant.
Genome position (GRCh38, 1-based): chr22:36,195,390, C>G on the plus strand (G>C on the coding strand, the complement: APOL4 is on the minus strand). VCF-style: chr22-36195390-C-G. GRCh37 (hg19) VCF-style: chr22-36591436-C-G.
Other names: c.130G>C, p.Val44Leu (NM_030643.4); c.139G>C, p.Val47Leu (NM_145660.2); short protein forms V44L, V47L.
Identifiers: ClinVar variation 3375281 (VCV003375281.1).

ClinVar aggregate classification (germline): Uncertain significance (1 of 4 stars; one submission).

gnomAD v4.1: 6 of 1,613,742 alleles (0.00037%); highest among the groups gnomAD compares: Non-Finnish European, 0.00051%; no homozygotes.

Submission:

Women's Health and Genetics/Laboratory Corporation of America, LabCorp
Classification: Uncertain significance. Last evaluated: 2024-09-23. Review status: criteria provided, single submitter. Criteria: LabCorp Variant Classification Summary - May 2015. Collection method: clinical testing. Allele origin: germline.
Comment: Variant summary: APOL4 c.139G>C (p.Val47Leu) results in a conservative amino acid change in the encoded protein sequence. Four of five in-silico tools predict a benign effect of the variant on protein function. The variant allele was found at a frequency of 4e-06 in 250230 control chromosomes. The available data on variant occurrences in the general population are insufficient to allow any conclusion about variant significance. To our knowledge, no occurrence of c.139G>C in individuals affected with Schizophrenia and no experimental evidence demonstrating its impact on protein function have been reported. No submitters have cited clinical-significance assessments for this variant to ClinVar. Based on the evidence outlined above, the variant was classified as uncertain significance.